The following is an entry in ClinVar:

ClinVar aggregate classification (germline): Uncertain significance. Review status: criteria provided, multiple submitters, no conflicts (2 of 4 stars). 4 submissions from 4 submitters: Uncertain significance (4). Last evaluated 2025-07-22.

Conditions:
Arrhythmogenic right ventricular dysplasia 2. Identifiers: MedGen C1832931.
Catecholaminergic polymorphic ventricular tachycardia 1. Also called: VENTRICULAR TACHYCARDIA, CATECHOLAMINERGIC POLYMORPHIC, 1, WITH OR WITHOUT ATRIAL DYSFUNCTION AND/OR DILATED CARDIOMYOPATHY; VENTRICULAR TACHYCARDIA, STRESS-INDUCED POLYMORPHIC 1; RYR2-Related Catecholaminergic Polymorphic Ventricular Tachycardia. Identifiers: Orphanet 3286, MedGen C1631597, MONDO:0011484, OMIM 604772.
Ventricular arrhythmias due to cardiac ryanodine receptor calcium release deficiency syndrome. Also called: Autosomal dominant cardiac arrhythmia (Kuhn). Identifiers: MedGen C5542154, MONDO:0020745, OMIM 115000.
Cardiovascular phenotype. Identifiers: MedGen CN230736.
Cardiomyopathy (CMYO). Also called: Cardiomyopathies. Identifiers: Orphanet 167848, MedGen C0878544, MONDO:0004994, HP:0001638. Inheritance: Various modes of inheritance.

Submissions (4):

Ambry Genetics
Classification: Uncertain significance for Cardiovascular phenotype. Last evaluated: 2025-07-22. Review status: criteria provided, single submitter. Criteria: Ambry Variant Classification Scheme 2023. Collection method: clinical testing. Allele origin: germline.
Comment: The c.14217dupT variant, located in coding exon 99 of the RYR2 gene, results from a duplication of T at nucleotide position 14217, causing a translational frameshift with a predicted alternate stop codon (p.A4740Cfs*56). This alteration is expected to result in protein truncation or nonsense-mediated mRNA decay. However, loss of function of RYR2 has not been established as a mechanism of disease. Based on the available evidence, the clinical significance of this alteration remains unclear.

Labcorp Genetics (formerly Invitae), Labcorp
Classification: Uncertain significance for Catecholaminergic polymorphic ventricular tachycardia 1. Last evaluated: 2023-07-22. Review status: criteria provided, single submitter. Criteria: Invitae Variant Classification Sherloc (09022015). Collection method: clinical testing. Allele origin: germline.
Comment: The frequency data for this variant in the population databases is considered unreliable, as metrics indicate poor data quality at this position in the gnomAD database. This sequence change creates a premature translational stop signal (p.Ala4740Cysfs*56) in the RYR2 gene. It is expected to result in an absent or disrupted protein product. However, the current clinical and genetic evidence is not sufficient to establish whether loss-of-function variants in RYR2 cause disease. This variant has not been reported in the literature in individuals affected with RYR2-related conditions. In summary, the available evidence is currently insufficient to determine the role of this variant in disease. Therefore, it has been classified as a Variant of Uncertain Significance. ClinVar contains an entry for this variant (Variation ID: 927660).

Fulgent Genetics
Classification: Uncertain significance for Ventricular arrhythmias due to cardiac ryanodine receptor calcium release deficiency syndrome; Catecholaminergic polymorphic ventricular tachycardia 1. Last evaluated: 2022-03-22. Review status: criteria provided, single submitter. Criteria: ACMG Guidelines, 2015. Collection method: clinical testing. Allele origin: unknown.

Color Diagnostics, LLC DBA Color Health
Classification: Uncertain significance for Cardiomyopathy. Last evaluated: 2019-11-24. Review status: criteria provided, single submitter. Criteria: ACMG Guidelines, 2015. Collection method: clinical testing. Allele origin: germline.
Comment: This variant inserts 1 nucleotide in exon 99 of the RYR2 gene, creating a frameshift and premature translation stop signal. This variant is expected to result in an absent or non-functional protein product. Splice site prediction tools suggest that this variant may not impact RNA splicing. To our knowledge, functional studies have not been performed for this variant. This variant has not been reported in individuals affected with cardiovascular disorders in the literature. This variant has not been identified in the general population by the Genome Aggregation Database (gnomAD). Clinical significance of loss-of-function truncation variants in the RYR2 gene is not clearly established. The available evidence is insufficient to determine the role of this variant in disease conclusively. Therefore, this variant is classified as a Variant of Uncertain Significance.

NM_001035.3(RYR2):c.14217dup (p.Ala4740fs)

Gene: RYR2 (ryanodine receptor 2; plus strand). Cytogenetic location: 1q43.
Variant type: Duplication.
Coding change: c.14217dup on transcript NM_001035.3 (MANE Select); coding-DNA position 14217, one base duplicated (T; older notation c.14217dupT).
Protein change: p.Ala4740fs; shifts the reading frame from alanine 4740.
Molecular consequence: frameshift variant.
Genome position (GRCh38, 1-based): chr1:237,806,202, T duplicated; the last of 9 consecutive T bases (chr1:237,806,194-237,806,202); duplicating any one gives the same sequence. VCF-style (leftmost placement, unchanged base first): chr1-237806193-C-CT. GRCh37 (hg19) VCF-style: chr1-237969493-C-CT.
Other names: c.14217dupT (NM_001035.2); short protein forms A4740fs.
Identifiers: ClinVar variation 927660 (VCV000927660.8), dbSNP rs749201569, ClinGen allele CA1475009.